The following is an entry in ClinVar:

ClinVar aggregate classification (germline): Uncertain significance (1 of 4 stars; one submission).

gnomAD v4.1: 2 of 1,613,676 alleles (0.00012%); highest among the groups gnomAD compares: Admixed American, 0.0017%; no homozygotes.

Submission:

Dasa
Classification: Uncertain significance. Last evaluated: 2025-01-06. Review status: criteria provided, single submitter. Criteria: DASA Assertion Criteria. Collection method: clinical testing. Allele origin: germline.
Comment: NM_001267550.2(TTN):c.25510A>G (p.Met8504Val) is a missense variant that results in the substitution of methionine with valine. This variant is rare in population databases. Computational prediction algorithms are consistent with a deleterious effect. The currently available literature and clinical evidence are not sufficient to establish a definitive association between this variant and the reported condition. Therefore, this variant is classified as a variant of uncertain significance.

NM_001267550.2(TTN):c.25510A>G (p.Met8504Val)

Gene: TTN (titin; minus strand). Cytogenetic location: 2q31.2.
Variant type: single nucleotide variant.
Coding change: c.25510A>G on transcript NM_001267550.2 (MANE Select); coding-DNA position 25510, A replaced by G.
Protein change: p.Met8504Val; replaces methionine 8504 with valine.
Molecular consequence: missense variant. On other transcripts: intron variant (3).
Genome position (GRCh38, 1-based): chr2:178,717,224, T>C on the plus strand (A>G on the coding strand, the complement: TTN is on the minus strand). VCF-style: chr2-178717224-T-C. GRCh37 (hg19) VCF-style: chr2-179581951-T-C.
Other names: c.21778A>G, p.Met7260Val (NM_133378.4); c.13282+20858A>G (NM_003319.4); c.13858+20858A>G (NM_133437.4); c.13657+20858A>G (NM_133432.3); c.24559A>G, p.Met8187Val (NM_001256850.1); short protein forms M7260V, M8187V, M8504V.
Identifiers: ClinVar variation 4885304 (VCV004885304.2).